The following is an entry in ClinVar:

NM_000261.2(MYOC):c.1138G>T (p.Asp380Tyr)

Gene: MYOC (myocilin; minus strand). Cytogenetic location: 1q24.3.
Variant type: single nucleotide variant.
Coding change: c.1138G>T on transcript NM_000261.2 (MANE Select); coding-DNA position 1138, G replaced by T.
Protein change: p.Asp380Tyr; replaces aspartic acid 380 with tyrosine.
Molecular consequence: missense variant.
Genome position (GRCh38, 1-based): chr1:171,636,302, C>A on the plus strand (G>T on the coding strand, the complement: MYOC is on the minus strand). VCF-style: chr1-171636302-C-A. GRCh37 (hg19) VCF-style: chr1-171605442-C-A.
Other names: NM_000261.2:c.1138G>T; short protein forms D380Y.
Identifiers: ClinVar variation 1342965 (VCV001342965.4), dbSNP rs121909194, ClinGen allele CA343724573.

ClinVar aggregate classification (germline): Likely pathogenic (3 of 4 stars; one submission).

Conditions:
Open-angle glaucoma. Identifiers: MedGen C0017612, MONDO:0005338, HP:0012108.

Submission:

ClinGen Glaucoma Variant Curation Expert Panel
Classification: Likely pathogenic for Open-angle glaucoma. Last evaluated: 2026-01-12. Review status: reviewed by expert panel. Criteria: ClinGen Glaucoma ACMG Specifications V2.0.0 Approved. Collection method: curation. Allele origin: germline. Inheritance: Autosomal dominant inheritance.
Comment: The c.1138G>T variant in MYOC is a missense variant predicted to cause substitution of Aspartic Acid by Tyrosine at amino acid 380 (p.Asp380Tyr). This variant was not found in any genetic ancestry group of gnomAD (v4.1.0), meeting the ≤ 0.0001 threshold set for PM2_Supporting in a genetic ancestry group of at least 10,000 alleles. The REVEL score = 0.964, which met the ≥ 0.932 threshold for PP3_Strong, predicting a damaging effect on MYOC function. The Asp380Tyr protein had increased insolubility and reduced secretion levels compared to wild type myocilin protein in this study (J Hulleman pers. comm.). The assays met the OddsPath threshold for PS3_Moderate (> 4.3) (when combined with PMID: 35196929), indicating that this variant did impact protein function. Only 1 proband with primary open angle glaucoma had been reported (PMID: 31302906), not meeting the ≥ 2 probands threshold required to meet PS4_Supporting. Another missense variant (c.1139A>C, p.Asp380Ala, Grantham score (GS) = 126) in the same codon has been classified as pathogenic for juvenile open angle glaucoma (JOAG) by the ClinGen Glaucoma VCEP. Additionally, 2 other missense variants (c.1138G>C, p.Asp380His, GS = 81) and (c.1139A>G, p.Asp380Gly, GS = 94) have been classified as likely pathogenic for JOAG by the VCEP. The c.1138G>T, p.Asp380Tyr variant has a higher Grantham score (= 160) than the previously classified amino acid changes, was not predicted to affect splicing as assessed with SpliceAI (≤ 0.2), and met PP3, meeting the conditions for PM5_Strong to apply. In summary, this variant met the criteria to receive a score of 8 and to be classified as likely pathogenic (likely pathogenic classification range 6 to 9, adapted from PMID: 32720330) for primary open angle glaucoma based on the ACMG/AMP criteria met, as specified by the ClinGen Glaucoma VCEP (v2.1.0, 2 October 2025): PM5_Strong, PP3_Strong, PS3_Moderate, PM2_Supporting (PP3 and PM5 capped at 5 points).

Literature cited by the submitters: PubMed 36267417; PubMed 35196929.